The following is an entry in ClinVar:

NM_021815.5(SLC5A7):c.1708C>T (p.Pro570Ser)

Gene: SLC5A7 (solute carrier family 5 member 7; plus strand). Cytogenetic location: 2q12.3.
Variant type: single nucleotide variant.
Coding change: c.1708C>T on transcript NM_021815.5 (MANE Select); coding-DNA position 1708, C replaced by T.
Protein change: p.Pro570Ser; replaces proline 570 with serine.
Molecular consequence: missense variant.
Genome position (GRCh38, 1-based): chr2:108,010,826, C>T. VCF-style: chr2-108010826-C-T. GRCh37 (hg19) VCF-style: chr2-108627282-C-T.
Other names: p.Pro570Ser; c.1708C>T, p.Pro570Ser (NM_001305005.3); c.1393C>T, p.Pro465Ser (NM_001305006.3); c.967C>T, p.Pro323Ser (NM_001305007.3); c.1708C>T (NM_021815.2); short protein forms P323S, P465S, P570S.
Identifiers: ClinVar variation 2682741 (VCV002682741.2), dbSNP rs1260956878, ClinGen allele CA348115178.

ClinVar aggregate classification (germline): Uncertain significance. Review status: criteria provided, multiple submitters, no conflicts (2 of 4 stars). 2 submissions from 2 submitters: Uncertain significance (2). Last evaluated 2025-08-04.

Conditions:
Inborn genetic diseases. Identifiers: MedGen C0950123, MeSH D030342.

Allele frequency attached by ClinVar (database versions not stated): gnomAD 0.00001; TOPMed 0.00001.
gnomAD v4.1: 2 of 1,605,824 alleles (0.00012%); highest among the groups gnomAD compares: African/African-American, 0.0013%; no homozygotes.

Submissions (2):

Ambry Genetics
Classification: Uncertain significance for Inborn genetic diseases. Last evaluated: 2025-08-04. Review status: criteria provided, single submitter. Criteria: Ambry Variant Classification Scheme 2023. Collection method: clinical testing. Allele origin: germline.

Mayo Clinic Laboratories, Mayo Clinic
Classification: Uncertain significance. Last evaluated: 2022-05-26. Review status: criteria provided, single submitter. Criteria: ACMG Guidelines, 2015. Collection method: clinical testing. Allele origin: germline. Observed: 2 variant alleles.
Comment: PM2